The following is an entry in ClinVar:

ClinVar aggregate classification (germline): Uncertain significance. Review status: criteria provided, multiple submitters, no conflicts (2 of 4 stars). 4 submissions from 4 submitters: Uncertain significance (4). Last evaluated 2026-01-05.

Conditions:
Hereditary cancer-predisposing syndrome. Also called: Tumor predisposition; Hereditary neoplastic syndrome; Hereditary Cancer Syndrome; Neoplastic Syndromes, Hereditary. Identifiers: Orphanet 140162, MedGen C0027672, MeSH D009386, MONDO:0015356.

Allele frequency attached by ClinVar (database versions not stated): ExAC 0.00001; gnomAD 0.00001 and 0.00002; gnomAD exomes 0.00001; TOPMed 0.00004; ESP Exome Variant Server 0.00008.
gnomAD v4.1: 15 of 1,612,012 alleles (0.00093%); highest among the groups gnomAD compares: African/African-American, 0.0093%; no homozygotes.

Submissions (4):

Labcorp Genetics (formerly Invitae), Labcorp
Classification: Uncertain significance. Last evaluated: 2026-01-05. Review status: criteria provided, single submitter. Criteria: Invitae Variant Classification Sherloc (09022015). Collection method: clinical testing. Allele origin: germline.
Comment: This sequence change replaces arginine, which is basic and polar, with cysteine, which is neutral and slightly polar, at codon 1286 of the POLE protein (p.Arg1286Cys). The frequency data for this variant in the population databases is considered unreliable, as metrics indicate poor data quality at this position in the gnomAD database. This variant has not been reported in the literature in individuals affected with POLE-related conditions. ClinVar contains an entry for this variant (Variation ID: 473622). Invitae Evidence Modeling of protein sequence and biophysical properties (such as structural, functional, and spatial information, amino acid conservation, physicochemical variation, residue mobility, and thermodynamic stability) indicates that this missense variant is expected to disrupt POLE protein function with a positive predictive value of 80%. In summary, the available evidence is currently insufficient to determine the role of this variant in disease. Therefore, it has been classified as a Variant of Uncertain Significance.

GeneDx
Classification: Uncertain significance. Last evaluated: 2025-07-31. Review status: criteria provided, single submitter. Criteria: GeneDx Variant Classification Process June 2021. Collection method: clinical testing. Allele origin: germline. Affected: yes.
Comment: Not observed at significant frequency in large population cohorts (gnomAD); In silico analysis supports that this missense variant has a deleterious effect on protein structure/function; Has not been previously published as pathogenic or benign to our knowledge; This variant is associated with the following publications: (PMID: 29320758)

Ambry Genetics
Classification: Uncertain significance for Hereditary cancer-predisposing syndrome. Last evaluated: 2024-12-19. Review status: criteria provided, single submitter. Criteria: Ambry Variant Classification Scheme 2023. Collection method: clinical testing. Allele origin: germline.
Comment: The p.R1286C variant (also known as c.3856C>T), located in coding exon 31 of the POLE gene, results from a C to T substitution at nucleotide position 3856. The arginine at codon 1286 is replaced by cysteine, an amino acid with highly dissimilar properties. This amino acid position is highly conserved in available vertebrate species. In addition, the in silico prediction for this alteration is inconclusive. Based on the available evidence, the clinical significance of this variant remains unclear.

Blueprint Genetics
Classification: Uncertain significance. Last evaluated: 2023-07-14. Review status: criteria provided, single submitter. Criteria: ACMG Guidelines, 2015. Collection method: clinical testing. Allele origin: germline.

NM_006231.4(POLE):c.3856C>T (p.Arg1286Cys)

Gene: POLE (DNA polymerase epsilon, catalytic subunit; minus strand). Cytogenetic location: 12q24.33.
Variant type: single nucleotide variant.
Coding change: c.3856C>T on transcript NM_006231.4 (MANE Select); coding-DNA position 3856, C replaced by T.
Protein change: p.Arg1286Cys; replaces arginine 1286 with cysteine.
Molecular consequence: missense variant.
Genome position (GRCh38, 1-based): chr12:132,649,455, G>A on the plus strand (C>T on the coding strand, the complement: POLE is on the minus strand). VCF-style: chr12-132649455-G-A. GRCh37 (hg19) VCF-style: chr12-133226041-G-A.
Other names: short protein forms R1286C.
Identifiers: ClinVar variation 473622 (VCV000473622.15), dbSNP rs373170535, ClinGen allele CA6893074.